The following is an entry in ClinVar:

NM_001081.4(CUBN):c.3999C>A (p.Cys1333Ter)

Gene: CUBN (cubilin; minus strand). Cytogenetic location: 10p13.
Variant type: single nucleotide variant.
Coding change: c.3999C>A on transcript NM_001081.4 (MANE Select); coding-DNA position 3999, C replaced by A.
Protein change: p.Cys1333Ter; replaces cysteine 1333 with a stop codon.
Molecular consequence: nonsense.
Genome position (GRCh38, 1-based): chr10:17,041,051, G>T on the plus strand (C>A on the coding strand, the complement: CUBN is on the minus strand). VCF-style: chr10-17041051-G-T. GRCh37 (hg19) VCF-style: chr10-17083050-G-T.
Other names: short protein forms C1333*.
Identifiers: ClinVar variation 56337 (VCV000056337.3), dbSNP rs386833785, ClinGen allele CA144287.

ClinVar aggregate classification (germline): Pathogenic. Review status: criteria provided, single submitter (1 of 4 stars). 2 submissions from 2 submitters: Pathogenic (1). 1 of the submissions does not count toward it. Last evaluated 2024-06-18.

Conditions:
Inborn genetic diseases. Identifiers: MedGen C0950123, MeSH D030342.
Imerslund-Grasbeck syndrome. Also called: PERNICIOUS ANEMIA, JUVENILE, DUE TO SELECTIVE INTESTINAL MALABSORPTION OF VITAMIN B12, WITH PROTEINURIA; Megaloblastic anemia due to inborn errors of metabolism; Imerslund-Gräsbeck syndrome; ENTEROCYTE COBALAMIN MALABSORPTION; ENTEROCYTE INTRINSIC FACTOR RECEPTOR, DEFECT OF. Identifiers: Orphanet 35858, MedGen C4551825, MONDO:0009853.

Submissions (2):

Ambry Genetics
Classification: Pathogenic for Inborn genetic diseases. Last evaluated: 2024-06-18. Review status: criteria provided, single submitter. Criteria: Ambry Variant Classification Scheme 2023. Collection method: clinical testing. Allele origin: germline.
Comment: The c.3999C>A (p.C1333*) alteration, located in exon 27 (coding exon 27) of the CUBN gene, consists of a C to A substitution at nucleotide position 3999. This changes the amino acid from a cysteine (C) to a stop codon at amino acid position 1333. This alteration is expected to result in loss of function by premature protein truncation or nonsense-mediated mRNA decay. This variant was not reported in population-based cohorts in the Genome Aggregation Database (gnomAD). Based on the available evidence, this alteration is classified as pathogenic.

Juha Muilu Group; Institute for Molecular Medicine Finland (FIMM)
Classification: Likely pathogenic for Megaloblastic anemia due to inborn errors of metabolism. Review status: no assertion criteria provided. Collection method: not provided. Allele origin: unknown. Not counted in ClinVar's aggregate classification.
Comment: FinDis database variant: This variant was not found or characterized by our laboratory, data were collected from public sources: see reference
ClinVar note: Converted during submission from probable-pathogenic to Likely pathogenic.